The following is an entry in ClinVar:

NM_001079843.3(CASZ1):c.4922T>A (p.Leu1641Gln)

Gene: CASZ1 (castor zinc finger 1; minus strand). Cytogenetic location: 1p36.22.
Variant type: single nucleotide variant.
Coding change: c.4922T>A on transcript NM_001079843.3 (MANE Select); coding-DNA position 4922, T replaced by A.
Protein change: p.Leu1641Gln; replaces leucine 1641 with glutamine.
Molecular consequence: missense variant.
Genome position (GRCh38, 1-based): chr1:10,639,300, A>T on the plus strand (T>A on the coding strand, the complement: CASZ1 is on the minus strand). VCF-style: chr1-10639300-A-T. GRCh37 (hg19) VCF-style: chr1-10699357-A-T.
Other names: c.4922T>A (NM_001079843.1); short protein forms L1641Q.
Identifiers: ClinVar variation 2973177 (VCV002973177.4), dbSNP rs1015021204, ClinGen allele CA338344183.

ClinVar aggregate classification (germline): Uncertain significance. Review status: criteria provided, multiple submitters, no conflicts (2 of 4 stars). 2 submissions from 2 submitters: Uncertain significance (2). Last evaluated 2025-01-09.

Allele frequency attached by ClinVar (database versions not stated): gnomAD exomes 0.00001.
gnomAD v4.1: 8 of 1,355,580 alleles (0.00059%); highest among the groups gnomAD compares: Middle Eastern, 0.027%; no homozygotes.

Submissions (2):

Ambry Genetics
Classification: Uncertain significance. Last evaluated: 2025-01-09. Review status: criteria provided, single submitter. Criteria: Ambry Variant Classification Scheme 2023. Collection method: clinical testing. Allele origin: germline.

Labcorp Genetics (formerly Invitae), Labcorp
Classification: Uncertain significance. Last evaluated: 2023-11-30. Review status: criteria provided, single submitter. Criteria: Invitae Variant Classification Sherloc (09022015). Collection method: clinical testing. Allele origin: germline.
Comment: This sequence change replaces leucine, which is neutral and non-polar, with glutamine, which is neutral and polar, at codon 1641 of the CASZ1 protein (p.Leu1641Gln). This variant is not present in population databases (gnomAD no frequency). This variant has not been reported in the literature in individuals affected with CASZ1-related conditions. An algorithm developed to predict the effect of missense changes on protein structure and function (PolyPhen-2) suggests that this variant is likely to be tolerated. In summary, the available evidence is currently insufficient to determine the role of this variant in disease. Therefore, it has been classified as a Variant of Uncertain Significance.